The following is an entry in ClinVar:

ClinVar aggregate classification (germline): Pathogenic/Likely pathogenic. Review status: criteria provided, multiple submitters, no conflicts (2 of 4 stars). 6 submissions from 6 submitters: Pathogenic (1); Likely pathogenic (5). Last evaluated 2025-09-25.

Conditions:
Albright hereditary osteodystrophy, pseudohypoparathyroidism, pseudopseudohypoparathyroidism, acrodysostosis and osteoma cutis.
Acrodysostosis 1 with or without hormone resistance (ACRDYS1). Also called: ACRODYSOSTOSIS 1 WITH HORMONE RESISTANCE; ACRODYSOSTOSIS 1 WITHOUT HORMONE RESISTANCE; ACRODYSOSTOSIS WITH HORMONE RESISTANCE. Identifiers: Orphanet 280651, MedGen C3276228, MONDO:0007044, OMIM 101800.
Pigmented nodular adrenocortical disease, primary, 1 (PPNAD1). Also called: ADRENOCORTICAL NODULAR DYSPLASIA, PRIMARY; CUSHING SYNDROME, ADRENAL, DUE TO PPNAD1; PIGMENTED MICRONODULAR ADRENOCORTICAL DISEASE, PRIMARY, 1. Identifiers: Orphanet 189439, MedGen C1864846, MONDO:0012509, OMIM 610489.
Carney complex, type 1 (CNC1). Also called: CARNEY COMPLEX, TYPE I; CARNEY MYXOMA-ENDOCRINE COMPLEX. Identifiers: Orphanet 1359, MedGen C2607929, MONDO:0008057, OMIM 160980.
Familial atrial myxoma. Identifiers: Orphanet 615, MedGen C2931787, MONDO:0009719, OMIM 255960.
PRKAR1A-related disorder. Also called: PRKAR1A-related condition.

Submissions (6):

NHS Central & South Genomic Laboratory Hub
Classification: Likely pathogenic for Albright hereditary osteodystrophy, pseudohypoparathyroidism, pseudopseudohypoparathyroidism, acrodysostosis and osteoma cutis. Last evaluated: 2025-09-25. Review status: criteria provided, single submitter. Criteria: ACMG Guidelines, 2015. Collection method: clinical testing. Allele origin: germline. Affected: yes.

Labcorp Genetics (formerly Invitae), Labcorp
Classification: Likely pathogenic for Carney complex, type 1. Last evaluated: 2025-09-03. Review status: criteria provided, single submitter. Criteria: Invitae Variant Classification Sherloc (09022015). Collection method: clinical testing. Allele origin: germline.
Comment: This sequence change replaces arginine, which is basic and polar, with cysteine, which is neutral and slightly polar, at codon 335 of the PRKAR1A protein (p.Arg335Cys). This variant is not present in population databases (gnomAD no frequency). This missense change has been observed in individual(s) with acrodysostosis (PMID: 23425300). ClinVar contains an entry for this variant (Variation ID: 433148). Invitae Evidence Modeling incorporating data from in vitro experimental studies (internal data) indicates that this missense variant is expected to disrupt PRKAR1A function with a positive predictive value of 95%. This variant disrupts the p.Arg335 amino acid residue in PRKAR1A. Other variant(s) that disrupt this residue have been observed in individuals with PRKAR1A-related conditions (PMID: 22464252, 23043190), which suggests that this may be a clinically significant amino acid residue. In summary, the currently available evidence indicates that the variant is pathogenic, but additional data are needed to prove that conclusively. Therefore, this variant has been classified as Likely Pathogenic.

Blueprint Genetics
Classification: Pathogenic for PRKAR1A-related disorders. Last evaluated: 2024-03-20. Review status: criteria provided, single submitter. Criteria: ACMG Guidelines, 2015. Collection method: clinical testing. Allele origin: de novo. Affected: yes. Observed: 5 variant alleles.

GeneDx
Classification: Likely pathogenic. Last evaluated: 2022-04-28. Review status: criteria provided, single submitter. Criteria: GeneDx Variant Classification Process June 2021. Collection method: clinical testing. Allele origin: germline. Affected: yes.
Comment: Observed in individuals with acrodysostosis (Muhn et al., 2013); Not observed at significant frequency in large population cohorts (gnomAD); In silico analysis supports that this missense variant has a deleterious effect on protein structure/function; This variant is associated with the following publications: (PMID: 26763073, 27535533, 23425300, 24363928)

Fulgent Genetics
Classification: Likely pathogenic for Acrodysostosis 1 with or without hormone resistance; Carney complex, type 1; Familial atrial myxoma; Pigmented nodular adrenocortical disease, primary, 1. Last evaluated: 2018-10-31. Review status: criteria provided, single submitter. Criteria: ACMG Guidelines, 2015. Collection method: clinical testing. Allele origin: unknown.

Molecular Diagnostics Lab, Nemours Children's Health, Delaware
Classification: Likely pathogenic for Acrodysostosis 1 with or without hormone resistance. Last evaluated: 2016-01-12. Review status: criteria provided, single submitter. Criteria: ACMG Guidelines, 2015. Collection method: clinical testing. Allele origin: unknown, maternal. Affected: yes. Observed: 2 heterozygotes. Clinical features observed: short metacarpels, short phalanges, cone-shaped epiphysis.

Literature cited by the submitters: PubMed 23425300 (cited by Labcorp Genetics (formerly Invitae), Labcorp and Molecular Diagnostics Lab, Nemours Children's Health, Delaware); PubMed 22464252 (cited by Labcorp Genetics (formerly Invitae), Labcorp and Molecular Diagnostics Lab, Nemours Children's Health, Delaware); PubMed 23043190 (cited by Labcorp Genetics (formerly Invitae), Labcorp and Molecular Diagnostics Lab, Nemours Children's Health, Delaware).

NM_002734.5(PRKAR1A):c.1003C>T (p.Arg335Cys)

Gene: PRKAR1A (protein kinase cAMP-dependent type I regulatory subunit alpha; plus strand). Cytogenetic location: 17q24.2.
Variant type: single nucleotide variant.
Coding change: c.1003C>T on transcript NM_002734.5 (MANE Select); coding-DNA position 1003, C replaced by T.
Protein change: p.Arg335Cys; replaces arginine 335 with cysteine.
Molecular consequence: missense variant. On other transcripts: intron variant (1).
Genome position (GRCh38, 1-based): chr17:68,530,306, C>T. VCF-style: chr17-68530306-C-T. GRCh37 (hg19) VCF-style: chr17-66526447-C-T.
Other names: c.1003C>T, p.Arg335Cys (NM_001276289.2, NM_001278433.2, NM_001369389.1 and 3 more transcripts); c.973+305C>T (NM_001276290.1); short protein forms R335C.
Identifiers: ClinVar variation 433148 (VCV000433148.14), dbSNP rs1555815121, ClinGen allele CA400754491.
Genomic context (GRCh38, chr17:68,530,306, plus strand): 5'-TTAGCCTGTTACCCATCTTTGCTTTCTCCAGGTGAAATTGCACTACTGATGAATCGTCCT[C>T]GTGCTGCCACAGTTGTTGCTCGTGGCCCCTTGAAGTGCGTTAAGCTGGACCGACCTAGAT-3'
Protein context (NP_002725.1, residues 325-345): GEIALLMNRP[Arg335Cys]AATVVARGPL